The following is an entry in ClinVar:

ClinVar aggregate classification (germline): Uncertain significance (1 of 4 stars; one submission).

Conditions:
Inborn genetic diseases. Identifiers: MedGen C0950123, MeSH D030342.

Allele frequency attached by ClinVar (database versions not stated): ExAC 0.00001.

Submission:

Ambry Genetics
Classification: Uncertain significance for Inborn genetic diseases. Last evaluated: 2023-04-30. Review status: criteria provided, single submitter. Criteria: Ambry Variant Classification Scheme 2023. Collection method: clinical testing. Allele origin: germline.
Comment: The p.P1730Q variant (also known as c.5189C>A), located in coding exon 29 of the ATR gene, results from a C to A substitution at nucleotide position 5189. The proline at codon 1730 is replaced by glutamine, an amino acid with similar properties. This amino acid position is conserved. In addition, the in silico prediction for this alteration is inconclusive. Since supporting evidence is limited at this time, the clinical significance of this alteration remains unclear.

NM_001184.4(ATR):c.5189C>A (p.Pro1730Gln)

Gene: ATR (ATR checkpoint kinase; minus strand). Cytogenetic location: 3q23.
Variant type: single nucleotide variant.
Coding change: c.5189C>A on transcript NM_001184.4 (MANE Select); coding-DNA position 5189, C replaced by A.
Protein change: p.Pro1730Gln; replaces proline 1730 with glutamine.
Molecular consequence: missense variant.
Genome position (GRCh38, 1-based): chr3:142,505,146, G>T on the plus strand (C>A on the coding strand, the complement: ATR is on the minus strand). VCF-style: chr3-142505146-G-T. GRCh37 (hg19) VCF-style: chr3-142223988-G-T.
Other names: c.4997C>A, p.Pro1666Gln (NM_001354579.2); short protein forms P1666Q, P1730Q.
Identifiers: ClinVar variation 2561369 (VCV002561369.2), dbSNP rs769649094, ClinGen allele CA2649671.